The following is an entry in ClinVar:

ClinVar aggregate classification (germline): Uncertain significance (1 of 4 stars; one submission).

Submission:

GeneDx
Classification: Uncertain significance. Last evaluated: 2019-11-14. Review status: criteria provided, single submitter. Criteria: GeneDx Variant Classification Process June 2021. Collection method: clinical testing. Allele origin: germline. Affected: yes.
Comment: Not observed in large population cohorts (Lek et al., 2016); In silico analysis, which includes protein predictors and evolutionary conservation, supports a deleterious effect; Has not been previously published as pathogenic or benign to our knowledge

NM_017617.5(NOTCH1):c.2759G>T (p.Gly920Val)

Gene: NOTCH1 (notch receptor 1; minus strand). Cytogenetic location: 9q34.3.
Variant type: single nucleotide variant.
Coding change: c.2759G>T on transcript NM_017617.5 (MANE Select); coding-DNA position 2759, G replaced by T.
Protein change: p.Gly920Val; replaces glycine 920 with valine.
Molecular consequence: missense variant.
Genome position (GRCh38, 1-based): chr9:136,509,943, C>A on the plus strand (G>T on the coding strand, the complement: NOTCH1 is on the minus strand). VCF-style: chr9-136509943-C-A. GRCh37 (hg19) VCF-style: chr9-139404395-C-A.
Other names: short protein forms G920V.
Identifiers: ClinVar variation 1196327 (VCV001196327.2), dbSNP rs1158774637, ClinGen allele CA375554690.